The following is an entry in ClinVar:

NM_000891.3(KCNJ2):c.779G>A (p.Arg260His)

Gene: KCNJ2 (potassium inwardly rectifying channel subfamily J member 2; plus strand). Cytogenetic location: 17q24.3.
Variant type: single nucleotide variant.
Coding change: c.779G>A on transcript NM_000891.3 (MANE Select); coding-DNA position 779, G replaced by A.
Protein change: p.Arg260His; replaces arginine 260 with histidine.
Molecular consequence: missense variant.
Genome position (GRCh38, 1-based): chr17:70,175,818, G>A. VCF-style: chr17-70175818-G-A. GRCh37 (hg19) VCF-style: chr17-68171959-G-A.
Other names: short protein forms R260H.
Identifiers: ClinVar variation 1477795 (VCV001477795.9), dbSNP rs199473385, ClinGen allele CA400862041.

ClinVar aggregate classification (germline): Likely pathogenic. Review status: criteria provided, multiple submitters, no conflicts (2 of 4 stars). 2 submissions from 2 submitters: Likely pathogenic (2). Last evaluated 2024-04-15.

Conditions:
KCNJ2-related disorder. Also called: KCNJ2-related condition.
Andersen Tawil syndrome (LQT7). Also called: ANDERSEN CARDIODYSRHYTHMIC PERIODIC PARALYSIS; LONG QT SYNDROME 7; PERIODIC PARALYSIS, POTASSIUM-SENSITIVE CARDIODYSRHYTHMIC TYPE; Andersen Syndrome; Potassium-sensitive periodic paralysis, ventricular ectopy, and dysmorphic features. Identifiers: Orphanet 37553, MedGen C1563715, MONDO:0008222, OMIM 170390.
Short QT syndrome type 3. Identifiers: Orphanet 51083, MedGen C1865018, MONDO:0012314, OMIM 609622.

Allele frequency attached by ClinVar (database versions not stated): gnomAD exomes below 0.00001.
gnomAD v4.1: 6 of 1,614,166 alleles (0.00037%); highest among the groups gnomAD compares: South Asian, 0.0011%; no homozygotes.

Submissions (2):

Blueprint Genetics
Classification: Likely pathogenic for KCNJ2-related disorders. Last evaluated: 2024-04-15. Review status: criteria provided, single submitter. Criteria: ACMG Guidelines, 2015. Collection method: clinical testing. Allele origin: germline. Affected: yes. Observed: 1 variant allele.

Labcorp Genetics (formerly Invitae), Labcorp
Classification: Likely pathogenic for Short QT syndrome type 3; Andersen Tawil syndrome. Last evaluated: 2022-05-12. Review status: criteria provided, single submitter. Criteria: Invitae Variant Classification Sherloc (09022015). Collection method: clinical testing. Allele origin: germline.
Comment: This sequence change replaces arginine, which is basic and polar, with histidine, which is basic and polar, at codon 260 of the KCNJ2 protein (p.Arg260His). This variant is present in population databases (no rsID available, gnomAD 0.01%). This variant has not been reported in the literature in individuals affected with KCNJ2-related conditions. Advanced modeling of protein sequence and biophysical properties (such as structural, functional, and spatial information, amino acid conservation, physicochemical variation, residue mobility, and thermodynamic stability) performed at Invitae indicates that this missense variant is expected to disrupt KCNJ2 protein function. This variant disrupts the p.Arg260 amino acid residue in KCNJ2. Other variant(s) that disrupt this residue have been determined to be pathogenic (PMID: 21148745). This suggests that this residue is clinically significant, and that variants that disrupt this residue are likely to be disease-causing. In summary, the currently available evidence indicates that the variant is pathogenic, but additional data are needed to prove that conclusively. Therefore, this variant has been classified as Likely Pathogenic.

Literature cited by the submitters: PubMed 21148745 (cited by Labcorp Genetics (formerly Invitae), Labcorp).